The following is an entry in ClinVar:

ClinVar aggregate classification (germline): Uncertain significance (1 of 4 stars; one submission).

Conditions:
Combined oxidative phosphorylation defect type 17. Also called: Combined oxidative phosphorylation deficiency 17. Identifiers: Orphanet 369913, MedGen C3809526, MONDO:0014190, OMIM 615440.

Submission:

Labcorp Genetics (formerly Invitae), Labcorp
Classification: Uncertain significance for Combined oxidative phosphorylation defect type 17. Last evaluated: 2022-07-01. Review status: criteria provided, single submitter. Criteria: Invitae Variant Classification Sherloc (09022015). Collection method: clinical testing. Allele origin: germline.
Comment: In summary, the available evidence is currently insufficient to determine the role of this variant in disease. Therefore, it has been classified as a Variant of Uncertain Significance. Algorithms developed to predict the effect of missense changes on protein structure and function are either unavailable or do not agree on the potential impact of this missense change (SIFT: "Deleterious"; PolyPhen-2: "Possibly Damaging"; Align-GVGD: "Class C0"). This variant has not been reported in the literature in individuals affected with ELAC2-related conditions. This variant is not present in population databases (gnomAD no frequency). This sequence change replaces isoleucine, which is neutral and non-polar, with threonine, which is neutral and polar, at codon 185 of the ELAC2 protein (p.Ile185Thr).

NM_018127.7(ELAC2):c.554T>C (p.Ile185Thr)

Gene: ELAC2 (elaC ribonuclease Z 2; minus strand). Cytogenetic location: 17p12.
Variant type: single nucleotide variant.
Coding change: c.554T>C on transcript NM_018127.7 (MANE Select); coding-DNA position 554, T replaced by C.
Protein change: p.Ile185Thr; replaces isoleucine 185 with threonine.
Molecular consequence: missense variant.
Genome position (GRCh38, 1-based): chr17:13,013,212, A>G on the plus strand (T>C on the coding strand, the complement: ELAC2 is on the minus strand). VCF-style: chr17-13013212-A-G. GRCh37 (hg19) VCF-style: chr17-12916529-A-G.
Other names: c.554T>C, p.Ile185Thr (NM_001165962.2, NM_173717.2); short protein forms I185T.
Identifiers: ClinVar variation 2123973 (VCV002123973.4), dbSNP rs1320446307, ClinGen allele CA398217648.